The following is an entry in ClinVar:

ClinVar aggregate classification (germline): Likely benign. Review status: criteria provided, multiple submitters, no conflicts (2 of 4 stars). 2 submissions from 2 submitters: Likely benign (2). Last evaluated 2024-06-22.

Conditions:
Early-infantile DEE. Also called: Early infantile epileptic encephalopathy; Ohtahara syndrome; Early infantile epileptic encephalopathy with suppression bursts. Identifiers: Orphanet 1934, MedGen C0393706, MONDO:0800491.

Allele frequency attached by ClinVar (database versions not stated): gnomAD exomes 0.00001; TOPMed 0.00001; ExAC 0.00002.
gnomAD v4.1: 14 of 1,595,416 alleles (0.00088%); highest among the groups gnomAD compares: East Asian, 0.0067%; no homozygotes.

Submissions (2):

Labcorp Genetics (formerly Invitae), Labcorp
Classification: Likely benign for Early-infantile DEE. Last evaluated: 2024-06-22. Review status: criteria provided, single submitter. Criteria: Invitae Variant Classification Sherloc (09022015). Collection method: clinical testing. Allele origin: germline.

CeGaT Center for Human Genetics Tuebingen
Classification: Likely benign. Last evaluated: 2022-11-01. Review status: criteria provided, single submitter. Criteria: CeGaT Center For Human Genetics Tuebingen Variant Classification Criteria Version 2. Collection method: clinical testing. Allele origin: germline. Affected: yes. Observed: 1 variant allele.
Comment: KCNQ2: BP4, BP7

NM_172107.4(KCNQ2):c.1965C>T (p.Thr655=)

Gene: KCNQ2 (potassium voltage-gated channel subfamily Q member 2; minus strand). Cytogenetic location: 20q13.33.
Variant type: single nucleotide variant.
Coding change: c.1965C>T on transcript NM_172107.4 (MANE Select); coding-DNA position 1965, C replaced by T.
Protein change: p.Thr655=; no amino-acid change (threonine 655 retained).
Molecular consequence: synonymous variant.
Genome position (GRCh38, 1-based): chr20:63,407,298, G>A on the plus strand (C>T on the coding strand, the complement: KCNQ2 is on the minus strand). VCF-style: chr20-63407298-G-A. GRCh37 (hg19) VCF-style: chr20-62038651-G-A.
Other names: c.2019C>T, p.Thr673= (NM_001382235.1); c.1881C>T, p.Thr627= (NM_004518.6); c.1911C>T, p.Thr637= (NM_172106.3); c.1872C>T, p.Thr624= (NM_172108.5).
Identifiers: ClinVar variation 2050710 (VCV002050710.28), dbSNP rs755777278, ClinGen allele CA9958186.